The following is an entry in ClinVar:

NM_021008.4(DEAF1):c.602G>C (p.Ser201Thr)

Gene: DEAF1 (DEAF1 transcription factor; minus strand). Cytogenetic location: 11p15.5.
Variant type: single nucleotide variant.
Coding change: c.602G>C on transcript NM_021008.4 (MANE Select); coding-DNA position 602, G replaced by C.
Protein change: p.Ser201Thr; replaces serine 201 with threonine.
Molecular consequence: missense variant. On other transcripts: 5 prime UTR variant (1).
Genome position (GRCh38, 1-based): chr11:687,973, C>G on the plus strand (G>C on the coding strand, the complement: DEAF1 is on the minus strand). VCF-style: chr11-687973-C-G. GRCh37 (hg19) VCF-style: chr11-687973-C-G.
Other names: c.602G>C, p.Ser201Thr (NM_001293634.2); c.-125G>C (NM_001367390.1); short protein forms S201T.
Identifiers: ClinVar variation 3372036 (VCV003372036.1).

ClinVar aggregate classification (germline): Uncertain significance (1 of 4 stars; one submission).

Submission:

GeneDx
Classification: Uncertain significance. Last evaluated: 2024-04-03. Review status: criteria provided, single submitter. Criteria: GeneDx Variant Classification Process June 2021. Collection method: clinical testing. Allele origin: germline. Affected: yes.
Comment: Not observed at significant frequency in large population cohorts (gnomAD); In silico analysis supports that this missense variant does not alter protein structure/function; Has not been previously published as pathogenic or benign to our knowledge